The following is an entry in ClinVar:

NM_052876.4(NACC1):c.521A>T (p.Asp174Val)

Gene: NACC1 (nucleus accumbens associated 1; plus strand). Cytogenetic location: 19p13.13.
Variant type: single nucleotide variant.
Coding change: c.521A>T on transcript NM_052876.4 (MANE Select); coding-DNA position 521, A replaced by T.
Protein change: p.Asp174Val; replaces aspartic acid 174 with valine.
Molecular consequence: missense variant.
Genome position (GRCh38, 1-based): chr19:13,135,728, A>T. VCF-style: chr19-13135728-A-T. GRCh37 (hg19) VCF-style: chr19-13246542-A-T.
Other names: short protein forms D174V.
Identifiers: ClinVar variation 2812470 (VCV002812470.3), dbSNP rs2513135805, ClinGen allele CA404325548.
Genomic context (GRCh38, chr19:13,135,728, plus strand): 5'-CAGCCTGTAGCACCCCGCTGCCCCTCGTGTCGCGGGTGAAGACGGAGCAGCAGGAGTCGG[A>T]CTCCGTGCAGTGCATGCCCGTGGCCAAGCGGCTGTGGGACAGTGGCCAGAAGGAGGCTGG-3'
Protein context (NP_443108.1, residues 164-184): SRVKTEQQES[Asp174Val]SVQCMPVAKR

ClinVar aggregate classification (germline): Uncertain significance (1 of 4 stars; one submission).

Submission:

Labcorp Genetics (formerly Invitae), Labcorp
Classification: Uncertain significance. Last evaluated: 2022-11-06. Review status: criteria provided, single submitter. Criteria: Invitae Variant Classification Sherloc (09022015). Collection method: clinical testing. Allele origin: germline.
Comment: This sequence change replaces aspartic acid, which is acidic and polar, with valine, which is neutral and non-polar, at codon 174 of the NACC1 protein (p.Asp174Val). This variant is not present in population databases (gnomAD no frequency). This variant has not been reported in the literature in individuals affected with NACC1-related conditions. In summary, the available evidence is currently insufficient to determine the role of this variant in disease. Therefore, it has been classified as a Variant of Uncertain Significance. Advanced modeling of protein sequence and biophysical properties (such as structural, functional, and spatial information, amino acid conservation, physicochemical variation, residue mobility, and thermodynamic stability) performed at Invitae indicates that this missense variant is not expected to disrupt NACC1 protein function.